The following is an entry in ClinVar:

NM_005502.4(ABCA1):c.1377A>C (p.Thr459=)

Gene: ABCA1 (ATP binding cassette subfamily A member 1; minus strand). Cytogenetic location: 9q31.1.
Variant type: single nucleotide variant.
Coding change: c.1377A>C on transcript NM_005502.4 (MANE Select); coding-DNA position 1377, A replaced by C.
Protein change: p.Thr459=; no amino-acid change (threonine 459 retained).
Molecular consequence: synonymous variant.
Genome position (GRCh38, 1-based): chr9:104,832,706, T>G on the plus strand (A>C on the coding strand, the complement: ABCA1 is on the minus strand). VCF-style: chr9-104832706-T-G. GRCh37 (hg19) VCF-style: chr9-107594987-T-G.
Identifiers: ClinVar variation 913028 (VCV000913028.38), dbSNP rs186911476, ClinGen allele CA5169032.
Genomic context (GRCh38, chr9:104,832,706, plus strand): 5'-ACCATTACTGGACTGGACATCCTCTGGGTGCTTGGCCAAAAACGCCACGATGTCTTGGGC[T>G]GTCCAATCTAAGCCATCCAACTGCTGTTCCCAAAAGTGGTCATTGTCCCTGCTGTCCAAC-3'
Protein context (NP_005493.2, residues 449-469): WEQQLDGLDW[Thr459=]AQDIVAFLAK

ClinVar aggregate classification (germline): Conflicting classifications of pathogenicity. Review status: criteria provided, conflicting classifications (1 of 4 stars). 7 submissions from 6 submitters: Uncertain significance (1); Benign (1); Likely benign (5). Last evaluated 2025-11-11.

Conditions:
Cardiovascular phenotype. Identifiers: MedGen CN230736.
Tangier disease (TGD). Also called: HIGH DENSITY LIPOPROTEIN DEFICIENCY, TANGIER TYPE; HIGH DENSITY LIPOPROTEIN DEFICIENCY, TYPE 1; Cholesterol thesaurismosis. Identifiers: Orphanet 31150, MedGen C0039292, MONDO:0008783, OMIM 205400.
Hypoalphalipoproteinemia, primary, 1. Identifiers: Orphanet 425, MedGen C5231558, MONDO:0011393, OMIM 604091.

Allele frequency attached by ClinVar (database versions not stated): ESP Exome Variant Server 0.00008; TOPMed 0.00017; gnomAD exomes 0.00027 and 0.00035; 1000 Genomes Project 30x 0.00031; 1000 Genomes Project 0.00040; ExAC 0.00043.
gnomAD v4.1: 456 of 1,614,198 alleles (0.028%); highest among the groups gnomAD compares: East Asian, 0.37%; 1 homozygote.

Submissions (7):

Women's Health and Genetics/Laboratory Corporation of America, LabCorp
Classification: Likely benign. Last evaluated: 2025-11-11. Review status: criteria provided, single submitter. Criteria: LabCorp Variant Classification Summary - May 2015. Collection method: clinical testing. Allele origin: germline.

Labcorp Genetics (formerly Invitae), Labcorp
Classification: Likely benign. Last evaluated: 2025-10-19. Review status: criteria provided, single submitter. Criteria: Invitae Variant Classification Sherloc (09022015). Collection method: clinical testing. Allele origin: germline.

Blueprint Genetics
Classification: Likely benign. Last evaluated: 2024-11-15. Review status: criteria provided, single submitter. Criteria: ACMG Guidelines, 2015. Collection method: clinical testing. Allele origin: germline.

CeGaT Center for Human Genetics Tuebingen
Classification: Likely benign. Last evaluated: 2022-10-01. Review status: criteria provided, single submitter. Criteria: CeGaT Center For Human Genetics Tuebingen Variant Classification Criteria Version 2. Collection method: clinical testing. Allele origin: germline. Affected: yes. Observed: 1 variant allele.
Comment: ABCA1: BP4, BP7

Ambry Genetics
Classification: Likely benign for Cardiovascular phenotype. Last evaluated: 2021-01-07. Review status: criteria provided, single submitter. Criteria: Ambry Variant Classification Scheme 2023. Collection method: clinical testing. Allele origin: germline.

Illumina Laboratory Services, Illumina
Classification: Uncertain significance for Tangier disease. Last evaluated: 2018-01-13. Review status: criteria provided, single submitter. Criteria: ICSL Variant Classification Criteria 13 December 2019. Collection method: clinical testing. Allele origin: germline.

Illumina Laboratory Services, Illumina
Classification: Benign for Hypoalphalipoproteinemia, primary, 1. Last evaluated: 2018-01-13. Review status: criteria provided, single submitter. Criteria: ICSL Variant Classification Criteria 13 December 2019. Collection method: clinical testing. Allele origin: germline.
Comment: This variant was observed in the ICSL laboratory as part of a predisposition screen in an ostensibly healthy population. It had not been previously curated by ICSL or reported in the Human Gene Mutation Database (HGMD: prior to June 1st, 2018), and was therefore a candidate for classification through an automated scoring system. Utilizing variant allele frequency, disease prevalence and penetrance estimates, and inheritance mode, an automated score was calculated to assess if this variant is too frequent to cause the disease. Based on the score and internal cut-off values, a variant classified as benign is not then subjected to further curation. The score for this variant resulted in a classification of benign for this disease.